The following is an entry in ClinVar:

NM_016194.4(GNB5):c.666G>A (p.Trp222Ter)

Gene: GNB5 (G protein subunit beta 5; minus strand). Cytogenetic location: 15q21.2.
Variant type: single nucleotide variant.
Coding change: c.666G>A on transcript NM_016194.4 (MANE Select); coding-DNA position 666, G replaced by A.
Protein change: p.Trp222Ter; replaces tryptophan 222 with a stop codon.
Molecular consequence: nonsense.
Genome position (GRCh38, 1-based): chr15:52,135,718, C>T on the plus strand (G>A on the coding strand, the complement: GNB5 is on the minus strand). VCF-style: chr15-52135718-C-T. GRCh37 (hg19) VCF-style: chr15-52427915-C-T.
Other names: c.384G>A, p.Trp128Ter (NM_001379343.1); c.540G>A, p.Trp180Ter (NM_006578.4); short protein forms W222*, W128*, W180*.
Identifiers: ClinVar variation 2322088 (VCV002322088.2), dbSNP rs2033686347, ClinGen allele CA392491284.

ClinVar aggregate classification (germline): Pathogenic (1 of 4 stars; one submission).

Conditions:
Inborn genetic diseases. Identifiers: MedGen C0950123, MeSH D030342.

Allele frequency attached by ClinVar (database versions not stated): gnomAD 0.00001; TOPMed 0.00001.
gnomAD v4.1: 2 of 1,612,818 alleles (0.00012%); highest among the groups gnomAD compares: Admixed American, 0.0033%; no homozygotes.

Submission:

Ambry Genetics
Classification: Pathogenic for Inborn genetic diseases. Last evaluated: 2022-11-17. Review status: criteria provided, single submitter. Criteria: Ambry Variant Classification Scheme 2023. Collection method: clinical testing. Allele origin: germline.
Comment: The c.666G>A (p.W222*) alteration, located in exon 8 (coding exon 7) of the GNB5 gene, consists of a G to A substitution at nucleotide position 666. This changes the amino acid from a tryptophan (W) to a stop codon at amino acid position 222. This alteration is expected to result in loss of function by premature protein truncation or nonsense-mediated mRNA decay. This variant was not reported in population-based cohorts in the Genome Aggregation Database (gnomAD). Based on the available evidence, this alteration is classified as pathogenic.